The following is an entry in ClinVar:

ClinVar aggregate classification (germline): Uncertain significance (1 of 4 stars; one submission).

Conditions:
Dilated cardiomyopathy 1AA (CMD1AA). Also called: CARDIOMYOPATHY, DILATED, 1AA, WITH OR WITHOUT LEFT VENTRICULAR NONCOMPACTION; CARDIOMYOPATHY, FAMILIAL HYPERTROPHIC, 23, WITH OR WITHOUT LEFT VENTRICULAR NONCOMPACTION; Cardiomyopathy, dilated, 1AA, with or without LVNC. Identifiers: Orphanet 154, MedGen C2677338, MONDO:0012808, OMIM 612158.
Primary familial hypertrophic cardiomyopathy (HCM). Identifiers: Orphanet 99739, MedGen C0949658, MeSH D024741, MONDO:0024573. Inheritance: Various modes of inheritance.

Allele frequency attached by ClinVar (database versions not stated): gnomAD exomes below 0.00001; TOPMed below 0.00001; gnomAD 0.00001; ExAC 0.00002.

Submission:

Labcorp Genetics (formerly Invitae), Labcorp
Classification: Uncertain significance for Primary familial hypertrophic cardiomyopathy; Dilated cardiomyopathy 1AA. Last evaluated: 2022-10-25. Review status: criteria provided, single submitter. Criteria: Invitae Variant Classification Sherloc (09022015). Collection method: clinical testing. Allele origin: germline.
Comment: In summary, the available evidence is currently insufficient to determine the role of this variant in disease. Therefore, it has been classified as a Variant of Uncertain Significance. Variants that disrupt the consensus splice site are a relatively common cause of aberrant splicing (PMID: 17576681, 9536098). Algorithms developed to predict the effect of sequence changes on RNA splicing suggest that this variant may disrupt the consensus splice site. This variant has not been reported in the literature in individuals affected with ACTN2-related conditions. This variant is present in population databases (rs776533582, gnomAD 0.004%). This sequence change falls in intron 4 of the ACTN2 gene. It does not directly change the encoded amino acid sequence of the ACTN2 protein. It affects a nucleotide within the consensus splice site.

Literature cited by the submitters: PubMed 17576681; PubMed 9536098.

NM_001103.4(ACTN2):c.449-3_449-2insTTCT

Gene: ACTN2 (actinin alpha 2; plus strand). Cytogenetic location: 1q43.
Variant type: Insertion.
Coding change: c.449-3_449-2insTTCT on transcript NM_001103.4 (MANE Select); 3 bases into the intron before coding-DNA position 449 through the canonical splice acceptor site of the intron before coding-DNA position 449, TTCT inserted.
Molecular consequence: splice acceptor variant.
Genome position: GRCh38 VCF-style: chr1-236725930-C-CTTCT. GRCh37 (hg19) VCF-style: chr1-236889230-C-CTTCT.
Other names: c.-373-3_-373-2insTTCT (NM_001278344.2); c.449-3_449-2insTTCT (NM_001278343.2).
Identifiers: ClinVar variation 1934499 (VCV001934499.5), dbSNP rs776533582, ClinGen allele CA1472807.